The following is an entry in ClinVar:

ClinVar aggregate classification (germline): Benign/Likely benign. Review status: criteria provided, multiple submitters, no conflicts (2 of 4 stars). 8 submissions from 8 submitters: Benign (7); Likely benign (1). Last evaluated 2026-02-04.

Conditions:
Hepatic veno-occlusive disease-immunodeficiency syndrome. Also called: Hepatic Veno-Occlusive Disease with Immunodeficiency. Identifiers: Orphanet 79124, MedGen C1856128, MONDO:0009338, OMIM 235550. Disease mechanism: loss of function.

Allele frequency attached by ClinVar (database versions not stated): 1000 Genomes Project 30x 0.32214; 1000 Genomes Project 0.32488; TOPMed 0.38923; gnomAD 0.39783 and 0.39929; ESP Exome Variant Server 0.41750; gnomAD exomes 0.41899 and 0.47680; ExAC 0.42564.
gnomAD v4.1: 755,848 of 1,612,900 alleles (47%); highest among the groups gnomAD compares: Non-Finnish European, 51%; 183,714 homozygotes.

Submissions (8):

Labcorp Genetics (formerly Invitae), Labcorp
Classification: Benign for Hepatic veno-occlusive disease-immunodeficiency syndrome. Last evaluated: 2026-02-04. Review status: criteria provided, single submitter. Criteria: Invitae Variant Classification Sherloc (09022015). Collection method: clinical testing. Allele origin: germline.

Blueprint Genetics
Classification: Likely benign. Last evaluated: 2024-11-26. Review status: criteria provided, single submitter. Criteria: ACMG Guidelines, 2015. Collection method: clinical testing. Allele origin: germline.

Unidad de Genómica Garrahan, Hospital de Pediatría Garrahan
Classification: Benign. Last evaluated: 2024-01-24. Review status: criteria provided, single submitter. Criteria: ACMG Guidelines, 2015. Collection method: clinical testing. Allele origin: germline. Affected: no. Observed: 61 variant alleles.
Comment: This variant is classified as Benign based on local population frequency. This variant was detected in 64% of patients studied by a panel of primary immunodeficiencies. Number of patients: 61. Only high quality variants are reported.

Mayo Clinic Laboratories, Mayo Clinic
Classification: Benign. Last evaluated: 2022-09-06. Review status: criteria provided, single submitter. Criteria: ACMG Guidelines, 2015. Collection method: clinical testing. Allele origin: germline. Observed: 5 variant alleles.

Genome-Nilou Lab
Classification: Benign for Hepatic veno-occlusive disease-immunodeficiency syndrome. Last evaluated: 2021-07-15. Review status: criteria provided, single submitter. Criteria: ACMG Guidelines, 2015. Collection method: clinical testing. Allele origin: germline. Affected: no.

Illumina Laboratory Services, Illumina
Classification: Benign for Hepatic veno-occlusive disease-immunodeficiency syndrome. Last evaluated: 2018-01-13. Review status: criteria provided, single submitter. Criteria: ICSL Variant Classification Criteria 13 December 2019. Collection method: clinical testing. Allele origin: germline.
Comment: This variant was observed in the ICSL laboratory as part of a predisposition screen in an ostensibly healthy population. It had not been previously curated by ICSL or reported in the Human Gene Mutation Database (HGMD: prior to June 1st, 2018), and was therefore a candidate for classification through an automated scoring system. Utilizing variant allele frequency, disease prevalence and penetrance estimates, and inheritance mode, an automated score was calculated to assess if this variant is too frequent to cause the disease. Based on the score and internal cut-off values, a variant classified as benign is not then subjected to further curation. The score for this variant resulted in a classification of benign for this disease.

Laboratory for Molecular Medicine, Mass General Brigham Personalized Medicine
Classification: Benign. Last evaluated: 2016-03-29. Review status: criteria provided, single submitter. Criteria: LMM Criteria. Collection method: clinical testing. Allele origin: germline.
Comment: Variant identified in a genome or exome case(s) and assessed due to predicted null impact of the variant or pathogenic assertions in the literature or databases. Disclaimer: This variant has not undergone full assessment. The following are preliminary notes: Frequency

Breakthrough Genomics
Classification: Benign. Review status: criteria provided, single submitter. Criteria: ACMG Guidelines, 2015. Collection method: not provided. Allele origin: germline. Inheritance: Autosomal recessive inheritance. Affected: yes.

NM_080424.4(SP110):c.1568T>C (p.Met523Thr)

Gene: SP110 (SP110 nuclear body protein; minus strand). Cytogenetic location: 2q37.1.
Variant type: single nucleotide variant.
Coding change: c.1568T>C on transcript NM_080424.4 (MANE Select); coding-DNA position 1568, T replaced by C.
Protein change: p.Met523Thr; replaces methionine 523 with threonine.
Molecular consequence: missense variant.
Genome position (GRCh38, 1-based): chr2:230,177,560, A>G on the plus strand (T>C on the coding strand, the complement: SP110 is on the minus strand). VCF-style: chr2-230177560-A-G. GRCh37 (hg19) VCF-style: chr2-231042276-A-G.
Other names: c.1568T>C (NM_004509.4); c.1586T>C, p.Met529Thr (NM_001185015.2, NM_001378442.1, NM_001378444.1 and 2 more transcripts); c.1568T>C, p.Met523Thr (NM_001378443.1, NM_004509.5, NM_004510.4); c.1418T>C, p.Met473Thr (NM_001378447.1); short protein forms M523T, M529T, M473T.
Identifiers: ClinVar variation 334902 (VCV000334902.23), dbSNP rs1135791, ClinGen allele CA2154463.